The following is an entry in ClinVar:

ClinVar aggregate classification (germline): Uncertain significance. Review status: criteria provided, multiple submitters, no conflicts (2 of 4 stars). 2 submissions from 2 submitters: Uncertain significance (2). Last evaluated 2025-08-14.

Conditions:
Inborn genetic diseases. Identifiers: MedGen C0950123, MeSH D030342.

Allele frequency attached by ClinVar (database versions not stated): gnomAD exomes below 0.00001.
gnomAD v4.1: 1 of 1,613,110 alleles (0.000062%); highest among the groups gnomAD compares: Non-Finnish European, 0.000085%; no homozygotes.

Submissions (2):

Ambry Genetics
Classification: Uncertain significance for Inborn genetic diseases. Last evaluated: 2025-08-14. Review status: criteria provided, single submitter. Criteria: Ambry Variant Classification Scheme 2023. Collection method: clinical testing. Allele origin: germline.

Labcorp Genetics (formerly Invitae), Labcorp
Classification: Uncertain significance. Last evaluated: 2025-05-15. Review status: criteria provided, single submitter. Criteria: Invitae Variant Classification Sherloc (09022015). Collection method: clinical testing. Allele origin: germline.
Comment: This sequence change replaces proline, which is neutral and non-polar, with leucine, which is neutral and non-polar, at codon 366 of the SLC24A5 protein (p.Pro366Leu). This variant is not present in population databases (gnomAD no frequency). This variant has not been reported in the literature in individuals affected with SLC24A5-related conditions. ClinVar contains an entry for this variant (Variation ID: 2321856). Invitae Evidence Modeling of protein sequence and biophysical properties (such as structural, functional, and spatial information, amino acid conservation, physicochemical variation, residue mobility, and thermodynamic stability) indicates that this missense variant is expected to disrupt SLC24A5 protein function with a positive predictive value of 80%. In summary, the available evidence is currently insufficient to determine the role of this variant in disease. Therefore, it has been classified as a Variant of Uncertain Significance.

NM_205850.3(SLC24A5):c.1097C>T (p.Pro366Leu)

Genes: MYEF2 (myelin expression factor 2; minus strand), SLC24A5 (solute carrier family 24 member 5; plus strand). Cytogenetic location: 15q21.1.
Variant type: single nucleotide variant.
Coding change: c.1097C>T on transcript NM_205850.3 (MANE Select); coding-DNA position 1097, C replaced by T.
Protein change: p.Pro366Leu; replaces proline 366 with leucine.
Molecular consequence: missense variant. On other transcripts: 3 prime UTR variant (2).
Genome position (GRCh38, 1-based): chr15:48,141,131, C>T. VCF-style: chr15-48141131-C-T. GRCh37 (hg19) VCF-style: chr15-48433328-C-T.
Other names: c.*1777G>A (NM_001301210.2, NM_016132.5); short protein forms P366L.
Identifiers: ClinVar variation 2321856 (VCV002321856.6), dbSNP rs2504649484, ClinGen allele CA392453329.